The following is an entry in ClinVar:

NM_004260.4(RECQL4):c.929C>G (p.Pro310Arg)

Gene: RECQL4 (RecQ like helicase 4; minus strand). Cytogenetic location: 8q24.3.
Variant type: single nucleotide variant.
Coding change: c.929C>G on transcript NM_004260.4 (MANE Select); coding-DNA position 929, C replaced by G.
Protein change: p.Pro310Arg; replaces proline 310 with arginine.
Molecular consequence: missense variant. On other transcripts: 5 prime UTR variant (17), non-coding transcript variant (3).
Genome position (GRCh38, 1-based): chr8:144,516,190, G>C on the plus strand (C>G on the coding strand, the complement: RECQL4 is on the minus strand). VCF-style: chr8-144516190-G-C. GRCh37 (hg19) VCF-style: chr8-145741574-G-C.
Other names: c.929C>G, p.Pro310Arg (NM_001413017.1, NM_001413018.1, NM_001413019.1 and 4 more transcripts); c.-143C>G (NM_001413021.1, NM_001413022.1, NM_001413023.1 and 7 more transcripts); c.800C>G, p.Pro267Arg (NM_001413025.1); c.-205C>G (NM_001413027.1, NM_001413030.1, NM_001413031.1 and 2 more transcripts); c.578C>G, p.Pro193Arg (NM_001413029.1); c.-47C>G (NM_001413034.1); c.-412C>G (NM_001413043.1); short protein forms P193R, P310R, P267R.
Identifiers: ClinVar variation 5028121 (VCV005028121.1).
Genomic context (GRCh38, chr8:144,516,190, plus strand): 5'-GCCCTAGCTTGACTGGAGGGGCTGAGTCCGTGGTACCTGGGGTTCGATGGGCTGCTGCAG[G>C]GCTGAGGTGGCTGTGCCTGTACAGGTTCCCCTGGAGGGTCTTCCTCAACTGCTACAGCCC-3'
Protein context (NP_004251.4, residues 300-320): GEPVQAQPPQ[Pro310Arg]CSSPSNPRYH

ClinVar aggregate classification (germline): Uncertain significance (1 of 4 stars; one submission).

Conditions:
Inborn genetic diseases. Identifiers: MedGen C0950123, MeSH D030342.

gnomAD v4.1: 4 of 1,613,314 alleles (0.00025%); highest among the groups gnomAD compares: Non-Finnish European, 0.00034%; no homozygotes.

Submission:

Ambry Genetics
Classification: Uncertain significance for Inborn genetic diseases. Last evaluated: 2026-09-07. Review status: criteria provided, single submitter. Criteria: Ambry Variant Classification Scheme 2023. Collection method: clinical testing. Allele origin: germline.
Comment: The p.P310R variant (also known as c.929C>G), located in coding exon 5 of the RECQL4 gene, results from a C to G substitution at nucleotide position 929. The proline at codon 310 is replaced by arginine, an amino acid with dissimilar properties. This amino acid position is conserved. In addition, this alteration is predicted to be tolerated by in silico analysis. Based on the available evidence, the clinical significance of this variant remains unclear.